The following is an entry in ClinVar:

NM_000038.6(APC):c.7216A>G (p.Asn2406Asp)

Gene: APC (APC regulator of Wnt signaling pathway; plus strand). Cytogenetic location: 5q22.2.
Variant type: single nucleotide variant.
Coding change: c.7216A>G on transcript NM_000038.6 (MANE Select); coding-DNA position 7216, A replaced by G.
Protein change: p.Asn2406Asp; replaces asparagine 2406 with aspartic acid.
Molecular consequence: missense variant.
Genome position (GRCh38, 1-based): chr5:112,842,810, A>G. VCF-style: chr5-112842810-A-G. GRCh37 (hg19) VCF-style: chr5-112178507-A-G.
Other names: c.7216A>G, p.Asn2406Asp (NM_001127510.3, NM_001354895.2); c.7162A>G, p.Asn2388Asp (NM_001127511.3); c.7270A>G, p.Asn2424Asp (NM_001354896.2); c.7246A>G, p.Asn2416Asp (NM_001354897.2); c.7141A>G, p.Asn2381Asp (NM_001354898.2); c.7132A>G, p.Asn2378Asp (NM_001354899.2); c.7093A>G, p.Asn2365Asp (NM_001354900.2); c.7039A>G, p.Asn2347Asp (NM_001354901.2); and 5 more; short protein forms N2406D, N2388D, N2347D, N2280D, N2305D, N2365D, N2424D, N2123D.
Identifiers: ClinVar variation 482378 (VCV000482378.6), dbSNP rs1554088136, ClinGen allele CA16037047.
Genomic context (GRCh38, chr5:112,842,810, plus strand): 5'-AAGAATGCCAGTAGTATTCCAAGAAGTGAGTCTGCCTCCAAAGGACTAAATCAGATGAAT[A>G]ATGGTAATGGAGCCAATAAAAAGGTAGAACTTTCTAGAATGTCTTCAACTAAATCAAGTG-3'
Protein context (NP_000029.2, residues 2396-2416): SASKGLNQMN[Asn2406Asp]GNGANKKVEL

ClinVar aggregate classification (germline): Uncertain significance. Review status: criteria provided, multiple submitters, no conflicts (2 of 4 stars). 2 submissions from 2 submitters: Uncertain significance (2). Last evaluated 2025-05-16.

Conditions:
Familial adenomatous polyposis 1 (FAP1). Also called: FAMILIAL ADENOMATOUS POLYPOSIS 1, ATTENUATED; POLYPOSIS, ADENOMATOUS INTESTINAL. Identifiers: MedGen C2713442, MONDO:0021056, OMIM 175100. Disease mechanism: loss of function.
Hereditary cancer-predisposing syndrome. Also called: Neoplastic Syndromes, Hereditary; Tumor predisposition; Hereditary Cancer Syndrome; Hereditary neoplastic syndrome. Identifiers: Orphanet 140162, MedGen C0027672, MeSH D009386, MONDO:0015356.

Submissions (2):

Labcorp Genetics (formerly Invitae), Labcorp
Classification: Uncertain significance for Familial adenomatous polyposis 1. Last evaluated: 2025-05-16. Review status: criteria provided, single submitter. Criteria: Invitae Variant Classification Sherloc (09022015). Collection method: clinical testing. Allele origin: germline.
Comment: This sequence change replaces asparagine, which is neutral and polar, with aspartic acid, which is acidic and polar, at codon 2406 of the APC protein (p.Asn2406Asp). This variant is not present in population databases (gnomAD no frequency). This variant has not been reported in the literature in individuals affected with APC-related conditions. ClinVar contains an entry for this variant (Variation ID: 482378). Invitae Evidence Modeling of protein sequence and biophysical properties (such as structural, functional, and spatial information, amino acid conservation, physicochemical variation, residue mobility, and thermodynamic stability) indicates that this missense variant is not expected to disrupt APC protein function with a negative predictive value of 95%. In summary, the available evidence is currently insufficient to determine the role of this variant in disease. Therefore, it has been classified as a Variant of Uncertain Significance.

Ambry Genetics
Classification: Uncertain significance for Hereditary cancer-predisposing syndrome. Last evaluated: 2021-05-14. Review status: criteria provided, single submitter. Criteria: Ambry Variant Classification Scheme 2023. Collection method: clinical testing. Allele origin: germline.
Comment: The p.N2406D variant (also known as c.7216A>G), located in coding exon 15 of the APC gene, results from an A to G substitution at nucleotide position 7216. The asparagine at codon 2406 is replaced by aspartic acid, an amino acid with highly similar properties. This amino acid position is not well conserved in available vertebrate species. In addition, in silico predictors for this gene do not accurately predict pathogenicity. Since supporting evidence is limited at this time, the clinical significance of this alteration remains unclear.